The following is an entry in ClinVar:

NM_000051.4(ATM):c.7607G>A (p.Gly2536Glu)

Genes: ATM (ATM serine/threonine kinase; plus strand), C11orf65 (chromosome 11 open reading frame 65; minus strand). Cytogenetic location: 11q22.3.
Variant type: single nucleotide variant.
Coding change: c.7607G>A on transcript NM_000051.4 (MANE Select); coding-DNA position 7607, G replaced by A.
Protein change: p.Gly2536Glu; replaces glycine 2536 with glutamic acid.
Molecular consequence: missense variant. On other transcripts: non-coding transcript variant (1), intron variant (2).
Genome position (GRCh38, 1-based): chr11:108,331,535, G>A. VCF-style: chr11-108331535-G-A. GRCh37 (hg19) VCF-style: chr11-108202262-G-A.
Other names: c.7607G>A, p.Gly2536Glu (NM_001351834.2); c.641-22464C>T (NM_001330368.2); c.*38+3685C>T (NM_001351110.2); short protein forms G2536E.
Identifiers: ClinVar variation 3653753 (VCV003653753.2).

ClinVar aggregate classification (germline): Uncertain significance (1 of 4 stars; one submission).

Conditions:
Ataxia-telangiectasia syndrome (AT). Also called: Ataxia-telangiectasia, complementation group D; AT, COMPLEMENTATION GROUP C; ATAXIA-TELANGIECTASIA, COMPLEMENTATION GROUP A; ATAXIA-TELANGIECTASIA, FRESNO VARIANT; Ataxia-telangiectasia; Ataxia-telangiectasia, complementation group E. Identifiers: Orphanet 100, MedGen C0004135, MONDO:0008840, OMIM 208900.

Submission:

Labcorp Genetics (formerly Invitae), Labcorp
Classification: Uncertain significance for Ataxia-telangiectasia syndrome. Last evaluated: 2024-05-18. Review status: criteria provided, single submitter. Criteria: Invitae Variant Classification Sherloc (09022015). Collection method: clinical testing. Allele origin: germline.
Comment: This sequence change replaces glycine, which is neutral and non-polar, with glutamic acid, which is acidic and polar, at codon 2536 of the ATM protein (p.Gly2536Glu). This variant is not present in population databases (gnomAD no frequency). This variant has not been reported in the literature in individuals affected with ATM-related conditions. An algorithm developed to predict the effect of missense changes on protein structure and function (PolyPhen-2) suggests that this variant is likely to be disruptive. In summary, the available evidence is currently insufficient to determine the role of this variant in disease. Therefore, it has been classified as a Variant of Uncertain Significance.